The following is an entry in ClinVar:

NM_014915.3(ANKRD26):c.2003C>G (p.Ser668Cys)

Gene: ANKRD26 (ankyrin repeat domain 26; minus strand). Cytogenetic location: 10p12.1.
Variant type: single nucleotide variant.
Coding change: c.2003C>G on transcript NM_014915.3 (MANE Select); coding-DNA position 2003, C replaced by G.
Protein change: p.Ser668Cys; replaces serine 668 with cysteine.
Molecular consequence: missense variant.
Genome position (GRCh38, 1-based): chr10:27,044,173, G>C on the plus strand (C>G on the coding strand, the complement: ANKRD26 is on the minus strand). VCF-style: chr10-27044173-G-C. GRCh37 (hg19) VCF-style: chr10-27333102-G-C.
Other names: c.2000C>G, p.Ser667Cys (NM_001256053.2); short protein forms S667C, S668C.
Identifiers: ClinVar variation 2883818 (VCV002883818.4), dbSNP rs767863138, ClinGen allele CA376369070.

ClinVar aggregate classification (germline): Uncertain significance. Review status: criteria provided, multiple submitters, no conflicts (2 of 4 stars). 2 submissions from 2 submitters: Uncertain significance (2). Last evaluated 2025-10-09.

Conditions:
Inborn genetic diseases. Identifiers: MedGen C0950123, MeSH D030342.

Allele frequency attached by ClinVar (database versions not stated): TOPMed 0.00002; gnomAD 0.00001.
gnomAD v4.1: 9 of 1,417,114 alleles (0.00064%); highest among the groups gnomAD compares: Admixed American, 0.0098%; no homozygotes.

Submissions (2):

Labcorp Genetics (formerly Invitae), Labcorp
Classification: Uncertain significance. Last evaluated: 2025-10-09. Review status: criteria provided, single submitter. Criteria: Invitae Variant Classification Sherloc (09022015). Collection method: clinical testing. Allele origin: germline.
Comment: This sequence change replaces serine, which is neutral and polar, with cysteine, which is neutral and slightly polar, at codon 668 of the ANKRD26 protein (p.Ser668Cys). This variant is present in population databases (no rsID available, gnomAD 0.02%). This variant has not been reported in the literature in individuals affected with ANKRD26-related conditions. ClinVar contains an entry for this variant (Variation ID: 2883818). An algorithm developed to predict the effect of missense changes on protein structure and function (PolyPhen-2) suggests that this variant is likely to be disruptive. Algorithms developed to predict the effect of sequence changes on RNA splicing suggest that this variant may disrupt the consensus splice site. In summary, the available evidence is currently insufficient to determine the role of this variant in disease. Therefore, it has been classified as a Variant of Uncertain Significance.

Ambry Genetics
Classification: Uncertain significance for Inborn genetic diseases. Last evaluated: 2025-01-25. Review status: criteria provided, single submitter. Criteria: Ambry Variant Classification Scheme 2023. Collection method: clinical testing. Allele origin: germline.
Comment: The p.S668C variant (also known as c.2003C>G), located in coding exon 19 of the ANKRD26 gene, results from a C to G substitution at nucleotide position 2003. The serine at codon 668 is replaced by cysteine, an amino acid with dissimilar properties. This amino acid position is conserved. In addition, this alteration is predicted to be tolerated by in silico analysis. Based on the available evidence, the clinical significance of this variant remains unclear.